The following is an entry in ClinVar:

NM_005732.4(RAD50):c.1079A>C (p.His360Pro)

Gene: RAD50 (RAD50 double strand break repair protein; plus strand). Cytogenetic location: 5q31.1.
Variant type: single nucleotide variant.
Coding change: c.1079A>C on transcript NM_005732.4 (MANE Select); coding-DNA position 1079, A replaced by C.
Protein change: p.His360Pro; replaces histidine 360 with proline.
Molecular consequence: missense variant.
Genome position (GRCh38, 1-based): chr5:132,588,714, A>C. VCF-style: chr5-132588714-A-C. GRCh37 (hg19) VCF-style: chr5-131924406-A-C.
Other names: short protein forms H360P.
Identifiers: ClinVar variation 3786302 (VCV003786302.1).

ClinVar aggregate classification (germline): Uncertain significance (1 of 4 stars; one submission).

Conditions:
Hereditary cancer-predisposing syndrome. Also called: Neoplastic Syndromes, Hereditary; Hereditary Cancer Syndrome; Tumor predisposition; Hereditary neoplastic syndrome. Identifiers: Orphanet 140162, MedGen C0027672, MeSH D009386, MONDO:0015356.

Submission:

Ambry Genetics
Classification: Uncertain significance for Hereditary cancer-predisposing syndrome. Last evaluated: 2025-01-25. Review status: criteria provided, single submitter. Criteria: Ambry Variant Classification Scheme 2023. Collection method: clinical testing. Allele origin: germline.
Comment: The p.H360P variant (also known as c.1079A>C), located in coding exon 8 of the RAD50 gene, results from an A to C substitution at nucleotide position 1079. The histidine at codon 360 is replaced by proline, an amino acid with similar properties. This amino acid position is conserved. In addition, the in silico prediction for this alteration is inconclusive. Based on the available evidence, the clinical significance of this variant remains unclear.